The following is an entry in ClinVar:

ClinVar aggregate classification (germline): Uncertain significance (1 of 4 stars; one submission).

Conditions:
Mitochondrial DNA depletion syndrome 13. Also called: FBXL4-Related Encephalomyopathic Mitochondrial DNA Depletion Syndrome; Mitochondrial DNA depletion syndrome 13 (encephalomyopathic type). Identifiers: Orphanet 369897, MedGen C3809592, MONDO:0014198, OMIM 615471.

Allele frequency attached by ClinVar (database versions not stated): gnomAD exomes below 0.00001; ExAC 0.00001.
gnomAD v4.1: 1 of 1,614,102 alleles (0.000062%); highest among the groups gnomAD compares: Non-Finnish European, 0.000085%; no homozygotes.

Submission:

Wong Mito Lab, Molecular and Human Genetics, Baylor College of Medicine
Classification: Uncertain significance for Mitochondrial DNA depletion syndrome 13. Last evaluated: 2017-08-10. Review status: criteria provided, single submitter. Criteria: ACMG Guidelines, 2015. Collection method: reference population. Allele origin: germline.
Comment: The NM_012160.4:c.1631G>A (NP_036292.2:p.Arg544Lys) [GRCH38: NC_000006.12:g.98875486C>T] variant in FBXL4 gene is interpretated to be a Uncertain Significance - Insufficient Evidence based on ACMG guidelines (PMID: 25741868). This variant meets one or more of the following evidence codes reported in the ACMG-guideline. PM2:This variant is absent in key population databases. Based on this evidence code ClinGen Pathogenicity Calculator (PMID:28081714) suggested that the variant is Uncertain Significance - Insufficient Evidence.

NM_001278716.2(FBXL4):c.1631G>A (p.Arg544Lys)

Gene: FBXL4 (F-box and leucine rich repeat protein 4; minus strand). Cytogenetic location: 6q16.1.
Variant type: single nucleotide variant.
Coding change: c.1631G>A on transcript NM_001278716.2 (MANE Select); coding-DNA position 1631, G replaced by A.
Protein change: p.Arg544Lys; replaces arginine 544 with lysine.
Molecular consequence: missense variant. On other transcripts: non-coding transcript variant (1).
Genome position (GRCh38, 1-based): chr6:98,875,486, C>T on the plus strand (G>A on the coding strand, the complement: FBXL4 is on the minus strand). VCF-style: chr6-98875486-C-T. GRCh37 (hg19) VCF-style: chr6-99323362-C-T.
Other names: c.1631G>A, p.Arg544Lys (NM_012160.5); short protein forms R544K.
Identifiers: ClinVar variation 437781 (VCV000437781.1), dbSNP rs746383238, ClinGen allele CA3933412.